The following is an entry in ClinVar:

ClinVar aggregate classification (germline): Pathogenic (1 of 4 stars; one submission).

Conditions:
Ataxia-telangiectasia syndrome (AT). Also called: Cerebello-oculocutaneous telangiectasia; Immunodeficiency with ataxia telangiectasia; Ataxia-telangiectasia, complementation group D; AT, COMPLEMENTATION GROUP C; Ataxia-telangiectasia; LOUIS-BAR SYNDROME. Identifiers: Orphanet 100, MedGen C0004135, MONDO:0008840, OMIM 208900.

Submission:

Labcorp Genetics (formerly Invitae), Labcorp
Classification: Pathogenic for Ataxia-telangiectasia syndrome. Last evaluated: 2019-09-06. Review status: criteria provided, single submitter. Criteria: Invitae Variant Classification Sherloc (09022015). Collection method: clinical testing. Allele origin: germline.
Comment: This sequence change inserts a large fragment of DNA, likely a transposable element, in exon 54 of the ATM gene (c.7975_7976insSVA), causing a frameshift at codon 2659 (p.Leu2659fs). The exact size and sequence of the insertion cannot be determined by the current assay. However, the insertion is expected to result in an absent or disrupted protein product. This variant has not been reported in the literature in individuals with ATM-related conditions. Retrotransposon insertions including LINE1 (L1), Alu, and SVA (SINE-VNTR-Alu) have been reported to be disease-causing through disruption of either a coding region or splice site (PMID: 19763152, 20307669, 22406018) and loss-of-function variants in ATM are known to be pathogenic (PMID: 23807571, 25614872). For these reasons, this variant has been classified as Pathogenic.

Literature cited by the submitters: PubMed 25614872; PubMed 20307669; PubMed 22406018; PubMed 23807571; PubMed 19763152.

NM_000051.4(ATM):c.7975_7976insSVAelement

Genes: ATM (ATM serine/threonine kinase; plus strand), C11orf65 (chromosome 11 open reading frame 65; minus strand). Cytogenetic location: 11q22.3.
Variant type: Insertion.
Coding change: c.7975_7976insSVAelement on transcript NM_000051.4; coding-DNA positions 7975 to 7976, an insertion.
Other names: NM_000051.3:c.7975_7976insSVA.
Identifiers: ClinVar variation 870229 (VCV000870229.1), dbSNP rs2086551043.